The following is an entry in ClinVar:

NM_000632.4(ITGAM):c.3305T>A (p.Val1102Asp)

Gene: ITGAM (integrin subunit alpha M; plus strand). Cytogenetic location: 16p11.2.
Variant type: single nucleotide variant.
Coding change: c.3305T>A on transcript NM_000632.4 (MANE Select); coding-DNA position 3305, T replaced by A.
Protein change: p.Val1102Asp; replaces valine 1102 with aspartic acid.
Molecular consequence: missense variant.
Genome position (GRCh38, 1-based): chr16:31,331,193, T>A. VCF-style: chr16-31331193-T-A. GRCh37 (hg19) VCF-style: chr16-31342514-T-A.
Other names: c.3308T>A, p.Val1103Asp (NM_001145808.2); short protein forms V1102D, V1103D.
Identifiers: ClinVar variation 2114448 (VCV002114448.4), dbSNP rs2544510759, ClinGen allele CA395706037.

ClinVar aggregate classification (germline): Uncertain significance (1 of 4 stars; one submission).

Submission:

Labcorp Genetics (formerly Invitae), Labcorp
Classification: Uncertain significance. Last evaluated: 2022-03-19. Review status: criteria provided, single submitter. Criteria: Invitae Variant Classification Sherloc (09022015). Collection method: clinical testing. Allele origin: germline.
Comment: This sequence change replaces valine, which is neutral and non-polar, with aspartic acid, which is acidic and polar, at codon 1102 of the ITGAM protein (p.Val1102Asp). Algorithms developed to predict the effect of missense changes on protein structure and function (SIFT, PolyPhen-2, Align-GVGD) all suggest that this variant is likely to be disruptive. This variant is not present in population databases (gnomAD no frequency). This variant has not been reported in the literature in individuals affected with ITGAM-related conditions. In summary, the available evidence is currently insufficient to determine the role of this variant in disease. Therefore, it has been classified as a Variant of Uncertain Significance.